The following is an entry in ClinVar:

ClinVar aggregate classification (germline): Uncertain significance. Review status: criteria provided, multiple submitters, no conflicts (2 of 4 stars). 2 submissions from 2 submitters: Uncertain significance (2). Last evaluated 2023-07-17.

Conditions:
Inborn genetic diseases. Identifiers: MedGen C0950123, MeSH D030342.

Allele frequency attached by ClinVar (database versions not stated): TOPMed below 0.00001; gnomAD exomes 0.00001.
gnomAD v4.1: 3 of 1,612,334 alleles (0.00019%); highest among the groups gnomAD compares: Non-Finnish European, 0.00025%; no homozygotes.

Submissions (2):

Ambry Genetics
Classification: Uncertain significance for Inborn genetic diseases. Last evaluated: 2023-07-17. Review status: criteria provided, single submitter. Criteria: Ambry Variant Classification Scheme 2023. Collection method: clinical testing. Allele origin: germline.
Comment: The p.N27K variant (also known as c.81T>A), located in coding exon 2 of the ATR gene, results from a T to A substitution at nucleotide position 81. The asparagine at codon 27 is replaced by lysine, an amino acid with similar properties. This amino acid position is conserved. In addition, this alteration is predicted to be tolerated by in silico analysis. Since supporting evidence is limited at this time, the clinical significance of this alteration remains unclear.

Labcorp Genetics (formerly Invitae), Labcorp
Classification: Uncertain significance. Last evaluated: 2022-07-26. Review status: criteria provided, single submitter. Criteria: Invitae Variant Classification Sherloc (09022015). Collection method: clinical testing. Allele origin: germline.
Comment: This variant is not present in population databases (gnomAD no frequency). In summary, the available evidence is currently insufficient to determine the role of this variant in disease. Therefore, it has been classified as a Variant of Uncertain Significance. Algorithms developed to predict the effect of missense changes on protein structure and function (SIFT, PolyPhen-2, Align-GVGD) all suggest that this variant is likely to be tolerated. ClinVar contains an entry for this variant (Variation ID: 1358996). This variant has not been reported in the literature in individuals affected with ATR-related conditions. This sequence change replaces asparagine, which is neutral and polar, with lysine, which is basic and polar, at codon 27 of the ATR protein (p.Asn27Lys).

NM_001184.4(ATR):c.81T>A (p.Asn27Lys)

Gene: ATR (ATR checkpoint kinase; minus strand). Cytogenetic location: 3q23.
Variant type: single nucleotide variant.
Coding change: c.81T>A on transcript NM_001184.4 (MANE Select); coding-DNA position 81, T replaced by A.
Protein change: p.Asn27Lys; replaces asparagine 27 with lysine.
Molecular consequence: missense variant.
Genome position (GRCh38, 1-based): chr3:142,568,133, A>T on the plus strand (T>A on the coding strand, the complement: ATR is on the minus strand). VCF-style: chr3-142568133-A-T. GRCh37 (hg19) VCF-style: chr3-142286975-A-T.
Other names: c.81T>A, p.Asn27Lys (NM_001354579.2); c.81T>A (NM_001184.3); short protein forms N27K.
Identifiers: ClinVar variation 1358996 (VCV001358996.9), dbSNP rs545455583, ClinGen allele CA84759249.